The following is an entry in ClinVar:

ClinVar aggregate classification (germline): Pathogenic (1 of 4 stars; one submission).

Conditions:
Episodic kinesigenic dyskinesia (EKD). Also called: Paroxysmal kinesigenic dyskinesia. Identifiers: Orphanet 98809, MedGen C1868682, MONDO:0044202.

Submission:

Labcorp Genetics (formerly Invitae), Labcorp
Classification: Pathogenic for Episodic kinesigenic dyskinesia. Last evaluated: 2022-10-10. Review status: criteria provided, single submitter. Criteria: Invitae Variant Classification Sherloc (09022015). Collection method: clinical testing. Allele origin: germline.
Comment: For these reasons, this variant has been classified as Pathogenic. This variant disrupts a region of the PRRT2 protein in which other variant(s) (p.Leu336*) have been determined to be pathogenic (Invitae). This suggests that this is a clinically significant region of the protein, and that variants that disrupt it are likely to be disease-causing. This variant has not been reported in the literature in individuals affected with PRRT2-related conditions. This variant is not present in population databases (gnomAD no frequency). This sequence change creates a premature translational stop signal (p.Ser331Profs*6) in the PRRT2 gene. While this is not anticipated to result in nonsense mediated decay, it is expected to disrupt the last 10 amino acid(s) of the PRRT2 protein.

NM_145239.3(PRRT2):c.991del (p.Ser331fs)

Genes: MVP-DT (MVP divergent transcript; minus strand), PRRT2 (proline rich transmembrane protein 2; plus strand). Cytogenetic location: 16p11.2.
Variant type: Deletion.
Coding change: c.991del on transcript NM_145239.3 (MANE Select); coding-DNA position 991, one base deleted (T; older notation c.991delT).
Protein change: p.Ser331fs; shifts the reading frame from serine 331.
Molecular consequence: frameshift variant. On other transcripts: 3 prime UTR variant (1).
Genome position (GRCh38, 1-based): chr16:29,814,444, T deleted. VCF-style (leftmost placement, unchanged base first): chr16-29814443-CT-C. GRCh37 (hg19) VCF-style: chr16-29825764-CT-C.
Other names: c.991del, p.Ser331fs (NM_001256442.2); c.*490del (NM_001256443.2); short protein forms S331fs.
Identifiers: ClinVar variation 2808194 (VCV002808194.3), dbSNP rs2543339394, ClinGen allele CA2739266716.